The following is an entry in ClinVar:

NM_004104.5(FASN):c.7432G>A (p.Glu2478Lys)

Gene: FASN (fatty acid synthase; minus strand). Cytogenetic location: 17q25.3.
Variant type: single nucleotide variant.
Coding change: c.7432G>A on transcript NM_004104.5 (MANE Select); coding-DNA position 7432, G replaced by A.
Protein change: p.Glu2478Lys; replaces glutamic acid 2478 with lysine.
Molecular consequence: missense variant.
Genome position (GRCh38, 1-based): chr17:82,079,247, C>T on the plus strand (G>A on the coding strand, the complement: FASN is on the minus strand). VCF-style: chr17-82079247-C-T. GRCh37 (hg19) VCF-style: chr17-80037123-C-T.
Other names: short protein forms E2478K.
Identifiers: ClinVar variation 462112 (VCV000462112.10), dbSNP rs747059037, ClinGen allele CA8850985.

ClinVar aggregate classification (germline): Uncertain significance (1 of 4 stars; one submission).

Conditions:
Epileptic encephalopathy. Identifiers: MedGen C0543888, HP:0200134.

Allele frequency attached by ClinVar (database versions not stated): TOPMed 0.00001.
gnomAD v4.1: 23 of 1,612,876 alleles (0.0014%); highest among the groups gnomAD compares: East Asian, 0.0022%; no homozygotes.

Submission:

Labcorp Genetics (formerly Invitae), Labcorp
Classification: Uncertain significance for Epileptic encephalopathy. Last evaluated: 2024-05-28. Review status: criteria provided, single submitter. Criteria: Invitae Variant Classification Sherloc (09022015). Collection method: clinical testing. Allele origin: germline.
Comment: This sequence change replaces glutamic acid, which is acidic and polar, with lysine, which is basic and polar, at codon 2478 of the FASN protein (p.Glu2478Lys). This variant is present in population databases (rs747059037, gnomAD 0.002%). This variant has not been reported in the literature in individuals affected with FASN-related conditions. ClinVar contains an entry for this variant (Variation ID: 462112). An algorithm developed to predict the effect of missense changes on protein structure and function (PolyPhen-2) suggests that this variant is likely to be tolerated. In summary, the available evidence is currently insufficient to determine the role of this variant in disease. Therefore, it has been classified as a Variant of Uncertain Significance.